The following is an entry in ClinVar:

NM_020366.4(RPGRIP1):c.668G>A (p.Ser223Asn)

Gene: RPGRIP1 (RPGR interacting protein 1; plus strand). Cytogenetic location: 14q11.2.
Variant type: single nucleotide variant.
Coding change: c.668G>A on transcript NM_020366.4 (MANE Select); coding-DNA position 668, G replaced by A.
Protein change: p.Ser223Asn; replaces serine 223 with asparagine.
Molecular consequence: missense variant.
Genome position (GRCh38, 1-based): chr14:21,303,411, G>A. VCF-style: chr14-21303411-G-A. GRCh37 (hg19) VCF-style: chr14-21771570-G-A.
Other names: short protein forms S223N.
Identifiers: ClinVar variation 1427292 (VCV001427292.6), dbSNP rs2139160510, ClinGen allele CA388860628.
Genomic context (GRCh38, chr14:21,303,411, plus strand): 5'-TAATTTCTTTCAGCAGTGTCATAAGTATGGCTAAACCCATTGGTCTATGCATGCCTAACA[G>A]TGCCCACATCATGGCCAGCAATACCATGCAAGTGGAAGAGCCACCCAAGTCTCCTGAGAA-3'
Protein context (NP_065099.3, residues 213-233): AKPIGLCMPN[Ser223Asn]AHIMASNTMQ

ClinVar aggregate classification (germline): Uncertain significance (1 of 4 stars; one submission).

Conditions:
Leber congenital amaurosis 6 (LCA6). Identifiers: Orphanet 65, MedGen C1854260, MONDO:0013446, OMIM 613826.
Cone-rod dystrophy 13 (CORD13). Identifiers: Orphanet 1872, MedGen C2750720, MONDO:0011987, OMIM 608194.

Submission:

Labcorp Genetics (formerly Invitae), Labcorp
Classification: Uncertain significance for Leber congenital amaurosis 6; Cone-rod dystrophy 13. Last evaluated: 2025-05-27. Review status: criteria provided, single submitter. Criteria: Invitae Variant Classification Sherloc (09022015). Collection method: clinical testing. Allele origin: germline.
Comment: This sequence change replaces serine, which is neutral and polar, with asparagine, which is neutral and polar, at codon 223 of the RPGRIP1 protein (p.Ser223Asn). This variant is not present in population databases (gnomAD no frequency). This missense change has been observed in individual(s) with Leber congenital amaurosis (internal data). ClinVar contains an entry for this variant (Variation ID: 1427292). An algorithm developed to predict the effect of missense changes on protein structure and function (PolyPhen-2) suggests that this variant is likely to be tolerated. In summary, the available evidence is currently insufficient to determine the role of this variant in disease. Therefore, it has been classified as a Variant of Uncertain Significance.